The following is an entry in ClinVar:

NM_000548.5(TSC2):c.1004C>G (p.Ser335Cys)

Gene: TSC2 (TSC complex subunit 2; plus strand). Cytogenetic location: 16p13.3.
Variant type: single nucleotide variant.
Coding change: c.1004C>G on transcript NM_000548.5 (MANE Select); coding-DNA position 1004, C replaced by G.
Protein change: p.Ser335Cys; replaces serine 335 with cysteine.
Molecular consequence: missense variant.
Genome position (GRCh38, 1-based): chr16:2,060,698, C>G. VCF-style: chr16-2060698-C-G. GRCh37 (hg19) VCF-style: chr16-2110699-C-G.
Other names: c.1004C>G, p.Ser335Cys (NM_001077183.3, NM_001114382.3, NM_001363528.2 and 3 more transcripts); c.893C>G, p.Ser298Cys (NM_001318827.2); c.857C>G, p.Ser286Cys (NM_001318829.2); c.404C>G, p.Ser135Cys (NM_001318831.2); c.1037C>G, p.Ser346Cys (NM_001318832.2); short protein forms S335C, S298C, S135C, S346C, S286C.
Identifiers: ClinVar variation 49653 (VCV000049653.8), dbSNP rs45517144, ClinGen allele CA013535.

ClinVar aggregate classification (germline): Uncertain significance. Review status: criteria provided, multiple submitters, no conflicts (2 of 4 stars). 5 submissions from 5 submitters: Uncertain significance (4). 1 of the submissions does not count toward it. Last evaluated 2025-04-30.

Conditions:
Tuberous sclerosis 2 (TSC2). Identifiers: Orphanet 805, MedGen C1860707, MONDO:0013199, OMIM 613254.
Isolated focal cortical dysplasia type II (FCORD2). Also called: CORTICAL DYSPLASIA OF TAYLOR; Focal cortical dysplasia type II. Identifiers: Orphanet 268994, MedGen C1846385, MONDO:0011818, OMIM 607341, HP:0032051.
Tuberous sclerosis syndrome (TSC). Also called: Tuberous Sclerosis Complex; Tuberous sclerosis. Identifiers: Orphanet 805, MedGen C0041341, MONDO:0001734.
Hereditary cancer-predisposing syndrome. Also called: Neoplastic Syndromes, Hereditary; Tumor predisposition; Hereditary Cancer Syndrome; Hereditary neoplastic syndrome. Identifiers: Orphanet 140162, MedGen C0027672, MeSH D009386, MONDO:0015356.

Submissions (5):

Labcorp Genetics (formerly Invitae), Labcorp
Classification: Uncertain significance for Tuberous sclerosis 2. Last evaluated: 2025-04-30. Review status: criteria provided, single submitter. Criteria: Invitae Variant Classification Sherloc (09022015). Collection method: clinical testing. Allele origin: germline.
Comment: This sequence change replaces serine, which is neutral and polar, with cysteine, which is neutral and slightly polar, at codon 335 of the TSC2 protein (p.Ser335Cys). This variant is not present in population databases (gnomAD no frequency). This variant has not been reported in the literature in individuals affected with TSC2-related conditions. ClinVar contains an entry for this variant (Variation ID: 49653). Invitae Evidence Modeling of protein sequence and biophysical properties (such as structural, functional, and spatial information, amino acid conservation, physicochemical variation, residue mobility, and thermodynamic stability) indicates that this missense variant is not expected to disrupt TSC2 protein function with a negative predictive value of 95%. In summary, the available evidence is currently insufficient to determine the role of this variant in disease. Therefore, it has been classified as a Variant of Uncertain Significance.

Ambry Genetics
Classification: Uncertain significance for Hereditary cancer-predisposing syndrome. Last evaluated: 2024-11-20. Review status: criteria provided, single submitter. Criteria: Ambry Variant Classification Scheme 2023. Collection method: clinical testing. Allele origin: germline.
Comment: The p.S335C variant (also known as c.1004C>G), located in coding exon 10 of the TSC2 gene, results from a C to G substitution at nucleotide position 1004. The serine at codon 335 is replaced by cysteine, an amino acid with dissimilar properties. This amino acid position is highly conserved in available vertebrate species. In addition, the in silico prediction for this alteration is inconclusive. Based on the available evidence, the clinical significance of this alteration remains unclear.

Baylor Genetics
Classification: Uncertain significance for Isolated focal cortical dysplasia type II. Last evaluated: 2023-09-23. Review status: criteria provided, single submitter. Criteria: ACMG Guidelines, 2015. Collection method: clinical testing. Allele origin: unknown.

Genomic Diagnostic Laboratory, Division of Genomic Diagnostics, Children's Hospital of Philadelphia
Classification: Uncertain significance for Tuberous sclerosis 2. Last evaluated: 2015-07-10. Review status: criteria provided, single submitter. Criteria: DGD Variant Analysis Guidelines. Collection method: clinical testing. Allele origin: unknown.

Tuberous sclerosis database (TSC2)
No classification provided. Condition: TSC. Review status: no classification provided. Criteria: Tuberous Sclerosis Database Assertion Criteria 2015. Collection method: curation. Allele origin: germline. Affected: yes. Not counted in ClinVar's aggregate classification.